The following is an entry in ClinVar:

ClinVar aggregate classification (germline): Uncertain significance (1 of 4 stars; one submission).

Allele frequency attached by ClinVar (database versions not stated): gnomAD exomes below 0.00001; gnomAD 0.00001.
gnomAD v4.1: 6 of 1,614,136 alleles (0.00037%); highest among the groups gnomAD compares: Non-Finnish European, 0.00051%; no homozygotes.

Submission:

Labcorp Genetics (formerly Invitae), Labcorp
Classification: Uncertain significance. Last evaluated: 2024-12-16. Review status: criteria provided, single submitter. Criteria: Invitae Variant Classification Sherloc (09022015). Collection method: clinical testing. Allele origin: germline.
Comment: This sequence change replaces glutamic acid, which is acidic and polar, with glutamine, which is neutral and polar, at codon 1457 of the TRPM1 protein (p.Glu1457Gln). This variant is present in population databases (no rsID available, gnomAD 0.007%). This variant has not been reported in the literature in individuals affected with TRPM1-related conditions. ClinVar contains an entry for this variant (Variation ID: 960439). Invitae Evidence Modeling of protein sequence and biophysical properties (such as structural, functional, and spatial information, amino acid conservation, physicochemical variation, residue mobility, and thermodynamic stability) indicates that this missense variant is not expected to disrupt TRPM1 protein function with a negative predictive value of 95%. In summary, the available evidence is currently insufficient to determine the role of this variant in disease. Therefore, it has been classified as a Variant of Uncertain Significance.

NM_001252024.2(TRPM1):c.4435G>C (p.Glu1479Gln)

Gene: TRPM1 (transient receptor potential cation channel subfamily M member 1; minus strand). Cytogenetic location: 15q13.3.
Variant type: single nucleotide variant.
Coding change: c.4435G>C on transcript NM_001252024.2 (MANE Select); coding-DNA position 4435, G replaced by C.
Protein change: p.Glu1479Gln; replaces glutamic acid 1479 with glutamine.
Molecular consequence: missense variant.
Genome position (GRCh38, 1-based): chr15:31,002,265, C>G on the plus strand (G>C on the coding strand, the complement: TRPM1 is on the minus strand). VCF-style: chr15-31002265-C-G. GRCh37 (hg19) VCF-style: chr15-31294468-C-G.
Other names: c.4486G>C, p.Glu1496Gln (NM_001252020.2); c.4369G>C, p.Glu1457Gln (NM_002420.6); short protein forms E1479Q, E1457Q, E1496Q.
Identifiers: ClinVar variation 960439 (VCV000960439.9), dbSNP rs1400071824, ClinGen allele CA391524114.
Genomic context (GRCh38, chr15:31,002,265, plus strand): 5'-TCTTTTGAACTTGGCATTGCCATTCCGTCGTCAATTGCTGGTCCGTGATTGAACTGTACT[C>G]TACATCCTGGTTAACCCCACCGACCAGCTTTCTTCCCCGGGAATAGACGAAGCTTCTGGA-3'
Protein context (NP_001238953.1, residues 1469-1489): KLVGGVNQDV[Glu1479Gln]YSSITDQQLT